The following is an entry in ClinVar:

ClinVar aggregate classification (germline): Uncertain significance (1 of 4 stars; one submission).

Submission:

Labcorp Genetics (formerly Invitae), Labcorp
Classification: Uncertain significance. Last evaluated: 2019-08-30. Review status: criteria provided, single submitter. Criteria: Invitae Variant Classification Sherloc (09022015). Collection method: clinical testing. Allele origin: germline.
Comment: This sequence change creates a premature translational stop signal (p.Ser428*) in the KIAA1549 gene. It is expected to result in an absent or disrupted protein product. This variant is not present in population databases (ExAC no frequency). This variant has not been reported in the literature in individuals with KIAA1549-related conditions. The current clinical and genetic evidence is not sufficient to establish whether loss-of-function variants in KIAA1549 cause disease. In summary, the available evidence is currently insufficient to determine the role of this variant in disease. Therefore, it has been classified as a Variant of Uncertain Significance.

NM_001164665.2(KIAA1549):c.1283C>G (p.Ser428Ter)

Gene: KIAA1549 (KIAA1549; minus strand). Cytogenetic location: 7q34.
Variant type: single nucleotide variant.
Coding change: c.1283C>G on transcript NM_001164665.2 (MANE Select); coding-DNA position 1283, C replaced by G.
Protein change: p.Ser428Ter; replaces serine 428 with a stop codon.
Molecular consequence: nonsense.
Genome position (GRCh38, 1-based): chr7:138,918,343, G>C on the plus strand (C>G on the coding strand, the complement: KIAA1549 is on the minus strand). VCF-style: chr7-138918343-G-C. GRCh37 (hg19) VCF-style: chr7-138603089-G-C.
Other names: c.1283C>G, p.Ser428Ter (NM_020910.3); short protein forms S428*.
Identifiers: ClinVar variation 940615 (VCV000940615.5), dbSNP rs1812417172, ClinGen allele CA369399321.